The following is an entry in ClinVar:

NM_000257.4(MYH7):c.2261A>G (p.Asn754Ser)

Gene: MYH7 (myosin heavy chain 7; minus strand). Cytogenetic location: 14q11.2.
Variant type: single nucleotide variant.
Coding change: c.2261A>G on transcript NM_000257.4 (MANE Select); coding-DNA position 2261, A replaced by G.
Protein change: p.Asn754Ser; replaces asparagine 754 with serine.
Molecular consequence: missense variant.
Genome position (GRCh38, 1-based): chr14:23,425,720, T>C on the plus strand (A>G on the coding strand, the complement: MYH7 is on the minus strand). VCF-style: chr14-23425720-T-C. GRCh37 (hg19) VCF-style: chr14-23894929-T-C.
Other names: c.2261A>G, p.Asn754Ser (NM_001407004.1); short protein forms N754S.
Identifiers: ClinVar variation 2862277 (VCV002862277.3), dbSNP rs2502287977, ClinGen allele CA389048798.

ClinVar aggregate classification (germline): Uncertain significance (1 of 4 stars; one submission).

Conditions:
Hypertrophic cardiomyopathy. Also called: HYPERTROPHIC MYOCARDIOPATHY. Identifiers: Orphanet 217569, MedGen C0007194, MeSH D002312, MONDO:0005045, HP:0001639.

Submission:

Labcorp Genetics (formerly Invitae), Labcorp
Classification: Uncertain significance for Hypertrophic cardiomyopathy. Last evaluated: 2023-08-28. Review status: criteria provided, single submitter. Criteria: Invitae Variant Classification Sherloc (09022015). Collection method: clinical testing. Allele origin: germline.
Comment: In summary, the available evidence is currently insufficient to determine the role of this variant in disease. Therefore, it has been classified as a Variant of Uncertain Significance. Advanced modeling of protein sequence and biophysical properties (such as structural, functional, and spatial information, amino acid conservation, physicochemical variation, residue mobility, and thermodynamic stability) has been performed at Invitae for this missense variant, however the output from this modeling did not meet the statistical confidence thresholds required to predict the impact of this variant on MYH7 protein function. This variant has not been reported in the literature in individuals affected with MYH7-related conditions. This variant is not present in population databases (gnomAD no frequency). This sequence change replaces asparagine, which is neutral and polar, with serine, which is neutral and polar, at codon 754 of the MYH7 protein (p.Asn754Ser).